The following is an entry in ClinVar:

NM_005633.4(SOS1):c.865-49G>A

Gene: SOS1 (SOS Ras/Rac guanine nucleotide exchange factor 1; minus strand). Cytogenetic location: 2p22.1.
Variant type: single nucleotide variant.
Coding change: c.865-49G>A on transcript NM_005633.4 (MANE Select); 49 bases into the intron before coding-DNA position 865, G replaced by A.
Molecular consequence: intron variant.
Genome position (GRCh38, 1-based): chr2:39,035,549, C>T on the plus strand (G>A on the coding strand, the complement: SOS1 is on the minus strand). VCF-style: chr2-39035549-C-T. GRCh37 (hg19) VCF-style: chr2-39262690-C-T.
Other names: c.844-49G>A (NM_001382394.1); c.865-49G>A (NM_001382395.1).
Identifiers: ClinVar variation 561459 (VCV000561459.1), dbSNP rs149139868, ClinGen allele CA1624702.
Genomic context (GRCh38, chr2:39,035,549, plus strand): 5'-AAATGCCAGTTCCTTAGAAAATAAAGAAGGTAAAACATAAATAATTTACCATTACAAACA[C>T]AGAAAGATTTAATTATGGGGCACGACTATGCGAGCACAATTATGTATGTCTTTGAAAGTC-3'

ClinVar aggregate classification (germline): Likely benign (1 of 4 stars; one submission).

Allele frequency attached by ClinVar (database versions not stated): 1000 Genomes Project 0.00379; ESP Exome Variant Server 0.00455; 1000 Genomes Project 30x 0.00484; gnomAD 0.00488; TOPMed 0.00488.
gnomAD v4.1: 1,331 of 1,347,608 alleles (0.099%); highest among the groups gnomAD compares: African/African-American, 1.7%; 14 homozygotes.

Submission:

GeneDx
Classification: Likely benign. Last evaluated: 2018-06-14. Review status: criteria provided, single submitter. Criteria: GeneDx Variant Classification (06012015). Collection method: clinical testing. Allele origin: germline. Affected: yes.
Comment: This variant is considered likely benign or benign based on one or more of the following criteria: it is a conservative change, it occurs at a poorly conserved position in the protein, it is predicted to be benign by multiple in silico algorithms, and/or has population frequency not consistent with disease.